The following is an entry in ClinVar:

ClinVar aggregate classification (germline): Uncertain significance. Review status: criteria provided, multiple submitters, no conflicts (2 of 4 stars). 2 submissions from 2 submitters: Uncertain significance (2). Last evaluated 2024-09-17.

Conditions:
Paroxysmal nonkinesigenic dyskinesia 1 (PNKD1). Also called: Nonkinesigenic choreoathetosis; Familial paroxysmal choreoathetosis; DYSTONIA 8; Familial Paroxysmal Nonkinesigenic Dyskinesia; MOUNT-REBACK SYNDROME; PxMD-PNKD. Identifiers: Orphanet 98810, MedGen C4551506, MONDO:0700089, OMIM 118800, MONDO:0007326.

Allele frequency attached by ClinVar (database versions not stated): ExAC 0.00001; gnomAD 0.00001; gnomAD exomes 0.00001 and 0.00002; TOPMed 0.00001.
gnomAD v4.1: 29 of 1,613,554 alleles (0.0018%); highest among the groups gnomAD compares: Non-Finnish European, 0.0022%; no homozygotes.

Submissions (2):

GeneDx
Classification: Uncertain significance. Last evaluated: 2024-09-17. Review status: criteria provided, single submitter. Criteria: GeneDx Variant Classification Process June 2021. Collection method: clinical testing. Allele origin: germline. Affected: yes.
Comment: In silico analysis supports that this missense variant has a deleterious effect on protein structure/function; Has not been previously published as pathogenic or benign to our knowledge

Illumina Laboratory Services, Illumina
Classification: Uncertain significance for Paroxysmal nonkinesigenic dyskinesia 1. Last evaluated: 2018-01-13. Review status: criteria provided, single submitter. Criteria: ICSL Variant Classification Criteria 13 December 2019. Collection method: clinical testing. Allele origin: germline.

NM_015488.5(PNKD):c.476A>T (p.Glu159Val)

Genes: PNKD (PNKD metallo-beta-lactamase domain containing; plus strand), CATIP-AS2 (CATIP antisense RNA 2; minus strand). Cytogenetic location: 2q35.
Variant type: single nucleotide variant.
Coding change: c.476A>T on transcript NM_015488.5 (MANE Select); coding-DNA position 476, A replaced by T.
Protein change: p.Glu159Val; replaces glutamic acid 159 with valine.
Molecular consequence: missense variant.
Genome position (GRCh38, 1-based): chr2:218,340,738, A>T. VCF-style: chr2-218340738-A-T. GRCh37 (hg19) VCF-style: chr2-219205461-A-T.
Other names: c.404A>T, p.Glu135Val (NM_022572.5); short protein forms E159V, E135V.
Identifiers: ClinVar variation 334318 (VCV000334318.6), dbSNP rs758928375, ClinGen allele CA2103976.